The following is an entry in ClinVar:

NM_001127222.2(CACNA1A):c.6691del (p.Glu2231fs)

Gene: CACNA1A (calcium voltage-gated channel subunit alpha1 A; minus strand). Cytogenetic location: 19p13.13.
Variant type: Deletion.
Coding change: c.6691del on transcript NM_001127222.2 (MANE Select); coding-DNA position 6691, one base deleted (G; older notation c.6691delG).
Protein change: p.Glu2231fs; shifts the reading frame from glutamic acid 2231.
Molecular consequence: frameshift variant.
Genome position (GRCh38, 1-based): chr19:13,208,845, C deleted on the plus strand (G on the coding strand, the reverse complement: CACNA1A is on the minus strand); the first of 2 consecutive C bases (chr19:13,208,845-13,208,846); deleting either gives the same sequence. VCF-style (leftmost placement, unchanged base first): chr19-13208844-TC-T. GRCh37 (hg19) VCF-style: chr19-13319658-TC-T.
Other names: c.6709del, p.Glu2237fs (NM_000068.4, NM_023035.3); c.6694del, p.Glu2232fs (NM_001127221.2); c.6700del, p.Glu2234fs (NM_001174080.2); short protein forms E2231fs, E2232fs, E2234fs, E2237fs.
Identifiers: ClinVar variation 1679144 (VCV001679144.1), dbSNP rs2144501233, ClinGen allele CA2573156102.
Genomic context (GRCh38, chr19:13,208,844, plus strand): 5'-TCGCTGGGCGAGCGGGACCAGCGCTGGTCCCGAGCCCGTGCCCGGCCGTGGTCCGGCCGT[TC>T]CTGGGCATAGCGGTCCTTGTCGGGGGGCGGGGGATGGTGGTGGTGGTGGTGGTGGTGGTG-3'

ClinVar aggregate classification (germline): Uncertain significance (1 of 4 stars; one submission).

Conditions:
Developmental and epileptic encephalopathy, 42 (DEE42A). Also called: DEVELOPMENTAL AND EPILEPTIC ENCEPHALOPATHY 42A; EPILEPTIC ENCEPHALOPATHY, EARLY INFANTILE, 42A; Epileptic encephalopathy, early infantile, 42. Identifiers: MedGen C4310716, MONDO:0014917, OMIM 617106.

Submission:

Institute of Human Genetics, University of Leipzig Medical Center
Classification: Uncertain significance for Developmental and epileptic encephalopathy, 42. Last evaluated: 2022-03-23. Review status: criteria provided, single submitter. Criteria: ACMG Guidelines, 2015. Collection method: clinical testing. Allele origin: unknown. Affected: yes.
Comment: _x000D_ Criteria applied: PVS1_STR, PM2_SUP